The following is an entry in ClinVar:

NM_004793.4(LONP1):c.639-2dup

Gene: LONP1 (lon peptidase 1, mitochondrial; minus strand). Cytogenetic location: 19p13.3.
Variant type: Duplication.
Coding change: c.639-2dup on transcript NM_004793.4 (MANE Select); the canonical splice acceptor site of the intron before coding-DNA position 639, one base duplicated (A; older notation c.639-2dupA).
Molecular consequence: splice acceptor variant.
Genome position (GRCh38, 1-based): chr19:5,712,004, T duplicated on the plus strand (A on the coding strand, the reverse complement: LONP1 is on the minus strand). VCF-style (leftmost placement, unchanged base first): chr19-5712003-C-CT. GRCh37 (hg19) VCF-style: chr19-5712014-C-CT.
Other names: c.51-2dup (NM_001276480.1); c.447-2dup (NM_001276479.2).
Identifiers: ClinVar variation 3342533 (VCV003342533.1).
Genomic context (GRCh38, chr19:5,712,003, plus strand): 5'-TGCTTGTTCTCCGCCTCCGGCTCCTCGGGCTCCACCTCCAGCTGTCTGCTGATATGGACT[C>CT]TGACACGGGAGCAAGGCAGGTGTGAATCAGCCGCTGAGGCTGGGAGCTGGACCCGGCTGA-3'

ClinVar aggregate classification (germline): Uncertain significance (1 of 4 stars; one submission).

Submission:

GeneDx
Classification: Uncertain significance. Last evaluated: 2023-08-22. Review status: criteria provided, single submitter. Criteria: GeneDx Variant Classification Process June 2021. Collection method: clinical testing. Allele origin: germline. Affected: yes.
Comment: Not observed at significant frequency in large population cohorts (gnomAD); In silico analysis supports a deleterious effect on splicing; Has not been previously published as pathogenic or benign to our knowledge